The following is an entry in ClinVar:

NM_006073.4(TRDN):c.1369+3dup

Gene: TRDN (triadin; minus strand). Cytogenetic location: 6q22.31.
Variant type: Duplication.
Coding change: c.1369+3dup on transcript NM_006073.4 (MANE Select); 3 bases into the intron after coding-DNA position 1369, one base duplicated (A; older notation c.1369+3dupA).
Genome position (GRCh38, 1-based): chr6:123,352,528, T duplicated on the plus strand (A on the coding strand, the reverse complement: TRDN is on the minus strand); the first of 9 consecutive T bases (chr6:123,352,528-123,352,536); duplicating any one gives the same sequence. VCF-style (leftmost placement, unchanged base first): chr6-123352527-A-AT. GRCh37 (hg19) VCF-style: chr6-123673672-A-AT.
Other names: NM_001251987.1:c.1383dupA; p.X462MetextX28; c.1383dup, p.Ter462MetextTer? (NM_001251987.2); c.1369+11dupA (NM_006073.4).
Identifiers: ClinVar variation 229346 (VCV000229346.17), dbSNP rs537388823, ClinGen allele CA3983981.

ClinVar aggregate classification (germline): Conflicting classifications of pathogenicity. Review status: criteria provided, conflicting classifications (1 of 4 stars). 5 submissions from 5 submitters: Uncertain significance (1); Benign (2); Likely benign (2). Last evaluated 2026-03-26.

Conditions:
TRDN-related disorder. Also called: TRDN-related condition.
Catecholaminergic polymorphic ventricular tachycardia 1. Also called: VENTRICULAR TACHYCARDIA, STRESS-INDUCED POLYMORPHIC 1; VENTRICULAR TACHYCARDIA, CATECHOLAMINERGIC POLYMORPHIC, 1, WITH OR WITHOUT ATRIAL DYSFUNCTION AND/OR DILATED CARDIOMYOPATHY; RYR2-Related Catecholaminergic Polymorphic Ventricular Tachycardia. Identifiers: Orphanet 3286, MedGen C1631597, MONDO:0011484, OMIM 604772.

Submissions (5):

PreventionGenetics, part of Exact Sciences
Classification: Likely benign for TRDN-related condition. Last evaluated: 2026-03-26. Review status: criteria provided, single submitter. Criteria: ACMG Guidelines, 2015. Collection method: clinical testing. Allele origin: germline.
Comment: This variant is classified as likely benign based on ACMG/AMP sequence variant interpretation guidelines (Richards et al. 2015 PMID: 25741868, with internal and published modifications).

Labcorp Genetics (formerly Invitae), Labcorp
Classification: Benign for Catecholaminergic polymorphic ventricular tachycardia 1. Last evaluated: 2026-01-28. Review status: criteria provided, single submitter. Criteria: Invitae Variant Classification Sherloc (09022015). Collection method: clinical testing. Allele origin: germline.

Blueprint Genetics
Classification: Likely benign. Last evaluated: 2024-10-09. Review status: criteria provided, single submitter. Criteria: ACMG Guidelines, 2015. Collection method: clinical testing. Allele origin: germline.

Women's Health and Genetics/Laboratory Corporation of America, LabCorp
Classification: Benign. Last evaluated: 2023-10-23. Review status: criteria provided, single submitter. Criteria: LabCorp Variant Classification Summary - May 2015. Collection method: clinical testing. Allele origin: germline.
Comment: Variant summary: TRDN c.1369+11dupA alters a conserved nucleotide located at a position not widely known to affect splicing. Consensus agreement among computation tools predict no significant impact on normal splicing. However, these predictions have yet to be confirmed by functional studies. The variant allele was found at a frequency of 0.00077 in 209292 control chromosomes, predominantly at a frequency of 0.0065 within the African or African-American subpopulation in the gnomAD database, including 1 homozygotes. The observed variant frequency within African or African-American control individuals in the gnomAD database is approximately 4 fold of the estimated maximal expected allele frequency for a pathogenic variant in TRDN causing Catecholaminergic Polymorphic Ventricular Tachycardia phenotype (0.0016), strongly suggesting that the variant is a benign polymorphism found primarily in populations of African or African-American origin. To our knowledge, no occurrence of c.1369+11dupA in individuals affected with Catecholaminergic Polymorphic Ventricular Tachycardia and no experimental evidence demonstrating its impact on protein function have been reported. Two submitters have cited clinical-significance assessments for this variant to ClinVar after 2014. One submitter classified the variant as benign, and one submitter classified the variant as uncertain significance. Based on the evidence outlined above, the variant was classified as benign.

Laboratory for Molecular Medicine, Mass General Brigham Personalized Medicine
Classification: Uncertain significance. Last evaluated: 2015-07-30. Review status: criteria provided, single submitter. Criteria: LMM Criteria. Collection method: clinical testing. Allele origin: germline. Observed: 1 variant allele.
Comment: Variant classified as Uncertain Significance - Favor Benign. The p.X462fs varian t in TRDN is predicted to cause a frameshift, which alters the protein?s termina tion codon and extends the protein's sequence 28 amino acids downstream. This va riant has not been previously reported in individuals with cardiomyopathy, but h as been identified in several control cohorts at varying frequencies including 0 .4% (44/9742) of African chromosomes by the Exome Aggregation Consortium (ExAC; dbSNP rs537388823). The TRDN gene has been impli cated in autosomal recessive CPVT and LQTS and the variant's frequency is not hi gh enough to confidently rule out a role in recessive disease. In summary, the p .X462fs variant is suspected to be more likely benign but additional data is nee ded to rule out a role in disease.